The following is an entry in ClinVar:

ClinVar aggregate classification (germline): Likely benign. Review status: criteria provided, single submitter (1 of 4 stars). 2 submissions from 2 submitters: Likely benign (1). 1 of the submissions does not count toward it. Last evaluated 2025-02-06.

Conditions:
Malignant hyperthermia, susceptibility to, 5 (MHS5). Also called: CACNA1S-Related Malignant Hyperthermia Susceptibility. Identifiers: Orphanet 423, MedGen C1866077, MONDO:0011163, OMIM 601887.
Hypokalemic periodic paralysis, type 1. Also called: HypoPP; Hypokalemic Periodic Paralysis Type 1 (AD). Identifiers: Orphanet 681, MedGen C3714580, MONDO:0042979, OMIM 170400.
CACNA1S-related disorder. Also called: CACNA1S-related condition.

Allele frequency attached by ClinVar (database versions not stated): TOPMed 0.00003; gnomAD 0.00004; gnomAD exomes 0.00005 and 0.00009; ExAC 0.00011; 1000 Genomes Project 30x 0.00031.
gnomAD v4.1: 84 of 1,614,196 alleles (0.0052%); highest among the groups gnomAD compares: South Asian, 0.083%; no homozygotes.

Submissions (2):

Labcorp Genetics (formerly Invitae), Labcorp
Classification: Likely benign for Hypokalemic periodic paralysis, type 1; Malignant hyperthermia, susceptibility to, 5. Last evaluated: 2025-02-06. Review status: criteria provided, single submitter. Criteria: Invitae Variant Classification Sherloc (09022015). Collection method: clinical testing. Allele origin: germline.

PreventionGenetics, part of Exact Sciences
Classification: Likely benign for CACNA1S-related condition. Last evaluated: 2019-11-16. Review status: no assertion criteria provided. Collection method: clinical testing. Allele origin: germline. Not counted in ClinVar's aggregate classification.
Comment: This variant is classified as likely benign based on ACMG/AMP sequence variant interpretation guidelines (Richards et al. 2015 PMID: 25741868, with internal and published modifications).

NM_000069.3(CACNA1S):c.3126C>A (p.Ala1042=)

Gene: CACNA1S (calcium voltage-gated channel subunit alpha1 S; minus strand). Cytogenetic location: 1q32.1.
Variant type: single nucleotide variant.
Coding change: c.3126C>A on transcript NM_000069.3 (MANE Select); coding-DNA position 3126, C replaced by A.
Protein change: p.Ala1042=; no amino-acid change (alanine 1042 retained).
Molecular consequence: synonymous variant.
Genome position (GRCh38, 1-based): chr1:201,061,396, G>T on the plus strand (C>A on the coding strand, the complement: CACNA1S is on the minus strand). VCF-style: chr1-201061396-G-T. GRCh37 (hg19) VCF-style: chr1-201030524-G-T.
Other names: c.3126C>A (NM_000069.2).
Identifiers: ClinVar variation 1579289 (VCV001579289.10), dbSNP rs748848750, ClinGen allele CA079558.